The following is an entry in ClinVar:

ClinVar aggregate classification (germline): Benign (1 of 4 stars; one submission).

Conditions:
Leigh syndrome (NULS). Also called: Leigh's necrotizing encephalopathy; Leigh's disease; Leigh Syndrome (mtDNA deletion); Leigh Disease; Subacute necrotizing encephalopathy; Necrotizing encephalopathy infantile subacute of Leigh. Identifiers: Orphanet 506, MedGen C2931891, MONDO:0009723, OMIM 256000.

Submission:

Wong Mito Lab, Molecular and Human Genetics, Baylor College of Medicine
Classification: Benign for Leigh syndrome. Last evaluated: 2019-10-17. Review status: criteria provided, single submitter. Criteria: Modified ACMG Guidelines (Unpublished). Collection method: clinical testing. Allele origin: germline.
Comment: The NC_012920.1:m.6915G>A (YP_003024028.1:p.Val338Met) variant in MTCO1 gene is interpretated to be a Benign variant based on the modified ACMG guidelines (unpublished). This variant meets the following evidence codes: BS1, BS4, BP4

NC_012920.1(MT-CO1):m.6915G>A

Gene: MT-CO1 (mitochondrially encoded cytochrome c oxidase I; plus strand).
Variant type: single nucleotide variant.
Genome position: chrM-6915-G-A.
Identifiers: ClinVar variation 692684 (VCV000692684.1), dbSNP rs1603220687, ClinGen allele CA414790021.